The following is an entry in ClinVar:

ClinVar aggregate classification (germline): Pathogenic (1 of 4 stars; one submission).

Conditions:
CHARGE syndrome (CHARGE). Also called: Hittner Hirsch Kreh syndrome; CHARGE ASSOCIATION--COLOBOMA, HEART ANOMALY, CHOANAL ATRESIA, RETARDATION, GENITAL AND EAR ANOMALIES; Coloboma, heart anomaly, choanal atresia, retardation, genital and ear anomalies; CHARGE association; Hall-Hittner syndrome. Identifiers: Orphanet 138, MedGen C0265354, MONDO:0008965.

Submission:

Labcorp Genetics (formerly Invitae), Labcorp
Classification: Pathogenic for CHARGE syndrome. Last evaluated: 2024-02-29. Review status: criteria provided, single submitter. Criteria: Invitae Variant Classification Sherloc (09022015). Collection method: clinical testing. Allele origin: germline.
Comment: This sequence change falls in intron 27 of the CHD7 gene. It does not directly change the encoded amino acid sequence of the CHD7 protein. This variant is not present in population databases (gnomAD no frequency). This variant has been observed in individual(s) with clinical features of CHARGE syndrome (Invitae). In at least one individual the variant was observed to be de novo. Algorithms developed to predict the effect of sequence changes on RNA splicing suggest that this variant may disrupt the consensus splice site. For these reasons, this variant has been classified as Pathogenic.

NM_017780.4(CHD7):c.5608-10T>A

Gene: CHD7 (chromodomain helicase DNA binding protein 7; plus strand). Cytogenetic location: 8q12.2.
Variant type: single nucleotide variant.
Coding change: c.5608-10T>A on transcript NM_017780.4 (MANE Select); 10 bases into the intron before coding-DNA position 5608, T replaced by A.
Molecular consequence: intron variant.
Genome position (GRCh38, 1-based): chr8:60,851,252, T>A. VCF-style: chr8-60851252-T-A. GRCh37 (hg19) VCF-style: chr8-61763811-T-A.
Other names: c.1717-10977T>A (NM_001316690.1).
Identifiers: ClinVar variation 2706934 (VCV002706934.3), dbSNP rs2488023566, ClinGen allele CA2697546698.